The following is an entry in ClinVar:

ClinVar aggregate classification (germline): Uncertain significance. Review status: criteria provided, multiple submitters, no conflicts (2 of 4 stars). 3 submissions from 3 submitters: Uncertain significance (3). Last evaluated 2025-05-18.

Conditions:
Colorectal cancer. Also called: Colorectal cancer, somatic; Malignant Colorectal Neoplasm. Identifiers: MedGen C0346629, MONDO:0005575, OMIM 114500.

gnomAD v4.1: 2 of 1,614,138 alleles (0.00012%); highest among the groups gnomAD compares: East Asian, 0.0022%; no homozygotes.

Submissions (3):

Ambry Genetics
Classification: Uncertain significance. Last evaluated: 2025-05-18. Review status: criteria provided, single submitter. Criteria: Ambry Variant Classification Scheme 2023. Collection method: clinical testing. Allele origin: germline.

Labcorp Genetics (formerly Invitae), Labcorp
Classification: Uncertain significance. Last evaluated: 2025-03-05. Review status: criteria provided, single submitter. Criteria: Invitae Variant Classification Sherloc (09022015). Collection method: clinical testing. Allele origin: germline.
Comment: This sequence change replaces serine, which is neutral and polar, with asparagine, which is neutral and polar, at codon 200 of the DLC1 protein (p.Ser200Asn). This variant is present in population databases (rs758377686, gnomAD 0.003%). This variant has not been reported in the literature in individuals affected with DLC1-related conditions. ClinVar contains an entry for this variant (Variation ID: 3595226). An algorithm developed to predict the effect of missense changes on protein structure and function outputs the following: PolyPhen-2: "Benign". The asparagine amino acid residue is found in multiple mammalian species, which suggests that this missense change does not adversely affect protein function. In summary, the available evidence is currently insufficient to determine the role of this variant in disease. Therefore, it has been classified as a Variant of Uncertain Significance.

Fulgent Genetics
Classification: Uncertain significance for Colorectal cancer. Last evaluated: 2024-01-15. Review status: criteria provided, single submitter. Criteria: ACMG Guidelines, 2015. Collection method: clinical testing. Allele origin: germline.

NM_182643.3(DLC1):c.599G>A (p.Ser200Asn)

Gene: DLC1 (DLC1 Rho GTPase activating protein; minus strand). Cytogenetic location: 8p22.
Variant type: single nucleotide variant.
Coding change: c.599G>A on transcript NM_182643.3 (MANE Select); coding-DNA position 599, G replaced by A.
Protein change: p.Ser200Asn; replaces serine 200 with asparagine.
Molecular consequence: missense variant. On other transcripts: 5 prime UTR variant (1).
Genome position (GRCh38, 1-based): chr8:13,499,473, C>T on the plus strand (G>A on the coding strand, the complement: DLC1 is on the minus strand). VCF-style: chr8-13499473-C-T. GRCh37 (hg19) VCF-style: chr8-13356982-C-T.
Other names: c.599G>A, p.Ser200Asn (NM_001348081.2, NM_001413124.1, NM_001413125.1 and 1 more transcripts); c.-853G>A (NM_001348082.2); c.599G>A (NM_182643.2); short protein forms S200N.
Identifiers: ClinVar variation 3595226 (VCV003595226.3).
Genomic context (GRCh38, chr8:13,499,473, plus strand): 5'-GCAATATCTTTCACGTTCAAAGTATCCACTGCATTTACTTTGGGTGCATCTTTTATTTCA[C>T]TTAAGCTTATTTCATTGCAAAGCTCCAGGCTTTTACTTATAGAGTCAGTAACTTTTCTCT-3'
Protein context (NP_872584.2, residues 190-210): SLELCNEISL[Ser200Asn]EIKDAPKVNA